The following is an entry in ClinVar:

ClinVar aggregate classification (germline): Uncertain significance (1 of 4 stars; one submission).

Conditions:
Diaphanospondylodysostosis. Also called: VERTEBRAL OSSIFICATION, DEFECT IN, WITH NEPHROGENIC RESTS. Identifiers: Orphanet 66637, MedGen C1842691, MONDO:0011946, OMIM 608022.

Submission:

Juno Genomics, Hangzhou Juno Genomics, Inc
Classification: Uncertain significance for Diaphanospondylodysostosis. Review status: criteria provided, single submitter. Criteria: ACMG Guidelines, 2015. Collection method: clinical testing. Allele origin: germline.
Comment: Protein length changes due to in-frame deletions/insertions in a non-repeat region or stop-loss variants.;Absent from controls (or at extremely low frequency if recessive) in Genome Aggregation Database.

NM_001365308.1(BMPER):c.75_77del (p.Leu29del)

Gene: BMPER (BMP binding endothelial regulator; plus strand). Cytogenetic location: 7p14.3.
Variant type: Deletion.
Coding change: c.75_77del on transcript NM_001365308.1 (MANE Select); coding-DNA positions 75 to 77, 3 bases deleted (CTT; older notation c.75_77delCTT).
Protein change: p.Leu29del; deletes leucine 29.
Molecular consequence: inframe deletion.
Genome position (GRCh38, 1-based): chr7:33,905,688-33,905,690, CTT deleted; deleting any 3 consecutive bases within chr7:33,905,687-33,905,690 gives the same sequence; the c. name uses the placement nearest the transcript's 3' end. VCF-style (leftmost placement, unchanged base first): chr7-33905686-GTCT-G. GRCh37 (hg19) VCF-style: chr7-33945298-GTCT-G.
Other names: c.75_77del, p.Leu29del (NM_001410872.1, NM_133468.5); short protein forms L29del.
Identifiers: ClinVar variation 5007209 (VCV005007209.2).